The following is an entry in ClinVar:

ClinVar aggregate classification (germline): Uncertain significance. Review status: criteria provided, multiple submitters, no conflicts (2 of 4 stars). 6 submissions from 6 submitters: Uncertain significance (5). 1 of the submissions does not count toward it. Last evaluated 2025-09-23.

Conditions:
PKHD1-related disorder. Also called: PKHD1-related condition.
Polycystic kidney disease 4 (PKD4). Also called: Autosomal Recessive Polycystic Kidney Disease – PKHD1; PKD3; POLYCYSTIC KIDNEY DISEASE 4 WITH OR WITHOUT POLYCYSTIC LIVER DISEASE; POLYCYSTIC KIDNEY AND HEPATIC DISEASE 1; POLYCYSTIC KIDNEY DISEASE, INFANTILE, TYPE I. Identifiers: MedGen C4540575, MONDO:0033004, OMIM 263200.
Autosomal recessive polycystic kidney disease (ARPKD). Also called: AR polycystic kidney disease. Identifiers: Orphanet 731, Orphanet 8378, MedGen C0085548, MeSH D017044, MONDO:0009889.

Allele frequency attached by ClinVar (database versions not stated): gnomAD 0.00004; gnomAD exomes 0.00004; TOPMed 0.00006; ExAC 0.00007; ESP Exome Variant Server 0.00015.
gnomAD v4.1: 213 of 1,613,640 alleles (0.013%); highest among the groups gnomAD compares: Middle Eastern, 0.016%; no homozygotes.

Submissions (6):

GeneDx
Classification: Uncertain significance. Last evaluated: 2025-09-23. Review status: criteria provided, single submitter. Criteria: GeneDx Variant Classification Process June 2021. Collection method: clinical testing. Allele origin: germline. Affected: yes.
Comment: In silico analysis suggests that this missense variant does not alter protein structure/function; Has not been previously published as pathogenic or benign to our knowledge

PreventionGenetics, part of Exact Sciences
Classification: Uncertain significance for PKHD1-related condition. Last evaluated: 2025-06-18. Review status: criteria provided, single submitter. Criteria: ACMG Guidelines, 2015. Collection method: clinical testing. Allele origin: germline.
Comment: The PKHD1 c.10445G>A variant is predicted to result in the amino acid substitution p.Arg3482His. To our knowledge, this variant has not been reported in the literature. This variant is reported in 0.020% of alleles in individuals of East Asian descent in gnomAD. Alternate missense variants affecting this amino acid (p.Arg3482Cys and p.Arg3482Leu) have been reported in patients with polycystic kidney disease (Bergmann et al. 2003. PubMed ID: 12506140; supplementary data, Burgmaier et al. 2021. PubMed ID: 33940108). Although we suspect that this variant may be pathogenic, at this time, the clinical significance of this variant is uncertain due to the absence of conclusive functional and genetic evidence.

Fulgent Genetics
Classification: Uncertain significance for Polycystic kidney disease 4. Last evaluated: 2024-04-05. Review status: criteria provided, single submitter. Criteria: ACMG Guidelines, 2015. Collection method: clinical testing. Allele origin: germline.

Labcorp Genetics (formerly Invitae), Labcorp
Classification: Uncertain significance for Autosomal recessive polycystic kidney disease. Last evaluated: 2022-10-17. Review status: criteria provided, single submitter. Criteria: Invitae Variant Classification Sherloc (09022015). Collection method: clinical testing. Allele origin: germline.
Comment: This sequence change replaces arginine, which is basic and polar, with histidine, which is basic and polar, at codon 3482 of the PKHD1 protein (p.Arg3482His). This variant is present in population databases (rs143915416, gnomAD 0.03%). This variant has not been reported in the literature in individuals affected with PKHD1-related conditions. ClinVar contains an entry for this variant (Variation ID: 909939). Advanced modeling of protein sequence and biophysical properties (such as structural, functional, and spatial information, amino acid conservation, physicochemical variation, residue mobility, and thermodynamic stability) performed at Invitae indicates that this missense variant is not expected to disrupt PKHD1 protein function. This variant disrupts the p.Arg3482 amino acid residue in PKHD1. Other variant(s) that disrupt this residue have been determined to be pathogenic (PMID: 12506140, 15108281, 15805161, 26385851, 26721323). This suggests that this residue is clinically significant, and that variants that disrupt this residue are likely to be disease-causing. In summary, the available evidence is currently insufficient to determine the role of this variant in disease. Therefore, it has been classified as a Variant of Uncertain Significance.

Illumina Laboratory Services, Illumina
Classification: Uncertain significance for Polycystic kidney disease 4. Last evaluated: 2018-01-12. Review status: criteria provided, single submitter. Criteria: ICSL Variant Classification Criteria 13 December 2019. Collection method: clinical testing. Allele origin: germline.

Natera, Inc.
Classification: Uncertain significance for Autosomal recessive polycystic kidney disease. Last evaluated: 2019-09-16. Review status: no assertion criteria provided. Collection method: clinical testing. Allele origin: germline. Not counted in ClinVar's aggregate classification.

Literature cited by the submitters: PubMed 12506140 (cited by Labcorp Genetics (formerly Invitae), Labcorp); PubMed 15108281 (cited by Labcorp Genetics (formerly Invitae), Labcorp); PubMed 15805161 (cited by Labcorp Genetics (formerly Invitae), Labcorp); PubMed 26385851 (cited by Labcorp Genetics (formerly Invitae), Labcorp); PubMed 26721323 (cited by Labcorp Genetics (formerly Invitae), Labcorp).

NM_138694.4(PKHD1):c.10445G>A (p.Arg3482His)

Gene: PKHD1 (PKHD1 ciliary IPT domain containing fibrocystin/polyductin; minus strand). Cytogenetic location: 6p12.3.
Variant type: single nucleotide variant.
Coding change: c.10445G>A on transcript NM_138694.4 (MANE Select); coding-DNA position 10445, G replaced by A.
Protein change: p.Arg3482His; replaces arginine 3482 with histidine.
Molecular consequence: missense variant.
Genome position (GRCh38, 1-based): chr6:51,659,681, C>T on the plus strand (G>A on the coding strand, the complement: PKHD1 is on the minus strand). VCF-style: chr6-51659681-C-T. GRCh37 (hg19) VCF-style: chr6-51524479-C-T.
Other names: short protein forms R3482H.
Identifiers: ClinVar variation 909939 (VCV000909939.19), dbSNP rs143915416, ClinGen allele CA3851078.